The following is an entry in ClinVar:

ClinVar aggregate classification (germline): Uncertain significance. Review status: criteria provided, single submitter (1 of 4 stars). 2 submissions from 2 submitters: Uncertain significance (1). 1 of the submissions does not count toward it. Last evaluated 2022-04-28.

Conditions:
SLC10A2-related disorder. Also called: SLC10A2-related condition.

Allele frequency attached by ClinVar (database versions not stated): ExAC 0.00002; gnomAD 0.00003; TOPMed 0.00003; 1000 Genomes Project 30x 0.00016; 1000 Genomes Project 0.00020.
gnomAD v4.1: 41 of 1,537,284 alleles (0.0027%); highest among the groups gnomAD compares: Admixed American, 0.012%; no homozygotes.

Submissions (2):

Labcorp Genetics (formerly Invitae), Labcorp
Classification: Uncertain significance. Last evaluated: 2022-04-28. Review status: criteria provided, single submitter. Criteria: Invitae Variant Classification Sherloc (09022015). Collection method: clinical testing. Allele origin: germline.
Comment: In summary, the available evidence is currently insufficient to determine the role of this variant in disease. Therefore, it has been classified as a Variant of Uncertain Significance. Algorithms developed to predict the effect of sequence changes on RNA splicing suggest that this variant is not likely to affect RNA splicing. This variant has not been reported in the literature in individuals affected with SLC10A2-related conditions. This variant is present in population databases (rs188025424, gnomAD 0.01%). This sequence change affects codon 165 of the SLC10A2 mRNA. It is a 'silent' change, meaning that it does not change the encoded amino acid sequence of the SLC10A2 protein. It affects a nucleotide within the consensus splice site.

PreventionGenetics, part of Exact Sciences
Classification: Likely benign for SLC10A2-related condition. Last evaluated: 2023-10-18. Review status: no assertion criteria provided. Collection method: clinical testing. Allele origin: germline. Not counted in ClinVar's aggregate classification.
Comment: This variant is classified as likely benign based on ACMG/AMP sequence variant interpretation guidelines (Richards et al. 2015 PMID: 25741868, with internal and published modifications).

NM_000452.3(SLC10A2):c.495A>T (p.Ile165=)

Gene: SLC10A2 (solute carrier family 10 member 2; minus strand). Cytogenetic location: 13q33.1.
Variant type: single nucleotide variant.
Coding change: c.495A>T on transcript NM_000452.3 (MANE Select); coding-DNA position 495, A replaced by T.
Protein change: p.Ile165=; no amino-acid change (isoleucine 165 retained).
Molecular consequence: synonymous variant.
Genome position (GRCh38, 1-based): chr13:103,058,265, T>A on the plus strand (A>T on the coding strand, the complement: SLC10A2 is on the minus strand). VCF-style: chr13-103058265-T-A. GRCh37 (hg19) VCF-style: chr13-103710615-T-A.
Other names: c.495A>T (NM_000452.2).
Identifiers: ClinVar variation 2018253 (VCV002018253.6), dbSNP rs188025424, ClinGen allele CA7042205.